The following is an entry in ClinVar:

NM_000795.4(DRD2):c.649C>T (p.Arg217Cys)

Gene: DRD2 (dopamine receptor D2; minus strand). Cytogenetic location: 11q23.2.
Variant type: single nucleotide variant.
Coding change: c.649C>T on transcript NM_000795.4 (MANE Select); coding-DNA position 649, C replaced by T.
Protein change: p.Arg217Cys; replaces arginine 217 with cysteine.
Molecular consequence: missense variant.
Genome position (GRCh38, 1-based): chr11:113,415,495, G>A on the plus strand (C>T on the coding strand, the complement: DRD2 is on the minus strand). VCF-style: chr11-113415495-G-A. GRCh37 (hg19) VCF-style: chr11-113286217-G-A.
Other names: c.649C>T, p.Arg217Cys (NM_016574.4); short protein forms R217C.
Identifiers: ClinVar variation 2420313 (VCV002420313.6), dbSNP rs1487691738, ClinGen allele CA382652002.
Genomic context (GRCh38, chr11:113,415,495, plus strand): 5'-TCAGGTGGGCCCTGAAAGCTCGGCTGCTGCGTTTGGTGTTGACTCGCTTGCGGCGTCTGC[G>A]GAGGACAATGTAGATCTTGATGTAGACCAGCAGGGTGACAATGAAGGGCACGTAGAAGGA-3'
Protein context (NP_000786.1, residues 207-227): LVYIKIYIVL[Arg217Cys]RRRKRVNTKR

ClinVar aggregate classification (germline): Uncertain significance (1 of 4 stars; one submission).

Conditions:
Dystonic disorder. Also called: Dystonia. Identifiers: MedGen C0013421, MONDO:0003441, HP:0001332.

Allele frequency attached by ClinVar (database versions not stated): gnomAD exomes below 0.00001; TOPMed below 0.00001; gnomAD 0.00001.
gnomAD v4.1: 8 of 1,613,988 alleles (0.0005%); highest among the groups gnomAD compares: South Asian, 0.0022%; no homozygotes.

Submission:

Labcorp Genetics (formerly Invitae), Labcorp
Classification: Uncertain significance for Dystonic disorder. Last evaluated: 2022-09-01. Review status: criteria provided, single submitter. Criteria: Invitae Variant Classification Sherloc (09022015). Collection method: clinical testing. Allele origin: germline.
Comment: In summary, the available evidence is currently insufficient to determine the role of this variant in disease. Therefore, it has been classified as a Variant of Uncertain Significance. Algorithms developed to predict the effect of missense changes on protein structure and function (SIFT, PolyPhen-2, Align-GVGD) all suggest that this variant is likely to be disruptive. This variant has not been reported in the literature in individuals affected with DRD2-related conditions. This variant is present in population databases (no rsID available, gnomAD 0.003%). This sequence change replaces arginine, which is basic and polar, with cysteine, which is neutral and slightly polar, at codon 217 of the DRD2 protein (p.Arg217Cys).